The following is an entry in ClinVar:

NM_153827.5(MINK1):c.6C>T (p.Gly2=)

Genes: MINK1 (misshapen like kinase 1; plus strand), LOC130060036 (ATAC-STARR-seq lymphoblastoid silent region 8046; plus strand). Cytogenetic location: 17p13.2.
Variant type: single nucleotide variant.
Coding change: c.6C>T on transcript NM_153827.5 (MANE Select); coding-DNA position 6, C replaced by T.
Protein change: p.Gly2=; no amino-acid change (glycine 2 retained).
Molecular consequence: synonymous variant. On other transcripts: 5 prime UTR variant (1).
Genome position (GRCh38, 1-based): chr17:4,833,589, C>T. VCF-style: chr17-4833589-C-T. GRCh37 (hg19) VCF-style: chr17-4736884-C-T.
Other names: c.6C>T, p.Gly2= (NM_001024937.4, NM_015716.5, NM_170663.5); c.-276C>T (NM_001321236.2).
Identifiers: ClinVar variation 2647272 (VCV002647272.24), dbSNP rs375578873, ClinGen allele CA8312232.
Genomic context (GRCh38, chr17:4,833,589, plus strand): 5'-GGAGTAACCGAGCCGGAGCGTGAGCGGCCCCGGTGCCCCGTTCCCCACGGAGGCCATGGG[C>T]GACCCAGCCCCCGCCCGCAGCCTGGACGACATCGACCTGTCCGCCCTGCGGGTGAGCGCG-3'
Protein context (NP_722549.2, residues 1-12): M[Gly2=]DPAPARSLDD

ClinVar aggregate classification (germline): Likely benign (1 of 4 stars; one submission).

Allele frequency attached by ClinVar (database versions not stated): ExAC 0.00083; ESP Exome Variant Server 0.00128; gnomAD 0.00286; TOPMed 0.00336; 1000 Genomes Project 30x 0.00515; 1000 Genomes Project 0.00519.
gnomAD v4.1: 732 of 1,499,444 alleles (0.049%); highest among the groups gnomAD compares: African/African-American, 0.9%; 2 homozygotes.

Submission:

CeGaT Center for Human Genetics Tuebingen
Classification: Likely benign. Last evaluated: 2023-04-01. Review status: criteria provided, single submitter. Criteria: CeGaT Center For Human Genetics Tuebingen Variant Classification Criteria Version 2. Collection method: clinical testing. Allele origin: germline. Affected: yes. Observed: 1 variant allele.
Comment: MINK1: BP4, BP7